The following is an entry in ClinVar:

ClinVar aggregate classification (germline): Uncertain significance (1 of 4 stars; one submission).

Submission:

GeneDx
Classification: Uncertain significance. Last evaluated: 2024-10-09. Review status: criteria provided, single submitter. Criteria: GeneDx Variant Classification Process June 2021. Collection method: clinical testing. Allele origin: germline.
Comment: Not observed at significant frequency in large population cohorts (gnomAD); In silico analysis indicates that this missense variant does not alter protein structure/function; Has not been previously published as pathogenic or benign to our knowledge

NM_001127222.2(CACNA1A):c.6490G>C (p.Glu2164Gln)

Gene: CACNA1A (calcium voltage-gated channel subunit alpha1 A; minus strand). Cytogenetic location: 19p13.13.
Variant type: single nucleotide variant.
Coding change: c.6490G>C on transcript NM_001127222.2 (MANE Select); coding-DNA position 6490, G replaced by C.
Protein change: p.Glu2164Gln; replaces glutamic acid 2164 with glutamine.
Molecular consequence: missense variant.
Genome position (GRCh38, 1-based): chr19:13,209,348, C>G on the plus strand (G>C on the coding strand, the complement: CACNA1A is on the minus strand). VCF-style: chr19-13209348-C-G. GRCh37 (hg19) VCF-style: chr19-13320162-C-G.
Other names: c.6508G>C, p.Glu2170Gln (NM_000068.4, NM_023035.3); c.6493G>C, p.Glu2165Gln (NM_001127221.2); c.6499G>C, p.Glu2167Gln (NM_001174080.2); short protein forms E2164Q, E2165Q, E2167Q, E2170Q.
Identifiers: ClinVar variation 2446176 (VCV002446176.2), dbSNP rs2512520095, ClinGen allele CA404330783.